The following is an entry in ClinVar:

NM_014484.5(MOCS3):c.845G>A (p.Arg282Lys)

Gene: MOCS3 (molybdenum cofactor synthesis 3; plus strand). Cytogenetic location: 20q13.13.
Variant type: single nucleotide variant.
Coding change: c.845G>A on transcript NM_014484.5 (MANE Select); coding-DNA position 845, G replaced by A.
Protein change: p.Arg282Lys; replaces arginine 282 with lysine.
Molecular consequence: missense variant.
Genome position (GRCh38, 1-based): chr20:50,959,687, G>A. VCF-style: chr20-50959687-G-A. GRCh37 (hg19) VCF-style: chr20-49576224-G-A.
Other names: c.845G>A (NM_014484.3); short protein forms R282K.
Identifiers: ClinVar variation 1917742 (VCV001917742.6), dbSNP rs546740231, ClinGen allele CA9909486.

ClinVar aggregate classification (germline): Uncertain significance. Review status: criteria provided, multiple submitters, no conflicts (2 of 4 stars). 2 submissions from 2 submitters: Uncertain significance (2). Last evaluated 2025-07-15.

Allele frequency attached by ClinVar (database versions not stated): ExAC 0.00002; gnomAD 0.00002; TOPMed 0.00002; gnomAD exomes 0.00003; 1000 Genomes Project 30x 0.00016; 1000 Genomes Project 0.00020.

Submissions (2):

Ambry Genetics
Classification: Uncertain significance. Last evaluated: 2025-07-15. Review status: criteria provided, single submitter. Criteria: Ambry Variant Classification Scheme 2023. Collection method: clinical testing. Allele origin: germline.

Labcorp Genetics (formerly Invitae), Labcorp
Classification: Uncertain significance. Last evaluated: 2025-04-12. Review status: criteria provided, single submitter. Criteria: Invitae Variant Classification Sherloc (09022015). Collection method: clinical testing. Allele origin: germline.
Comment: This sequence change replaces arginine, which is basic and polar, with lysine, which is basic and polar, at codon 282 of the MOCS3 protein (p.Arg282Lys). This variant is present in population databases (rs546740231, gnomAD 0.006%). This variant has not been reported in the literature in individuals affected with MOCS3-related conditions. ClinVar contains an entry for this variant (Variation ID: 1917742). An algorithm developed to predict the effect of missense changes on protein structure and function (PolyPhen-2) suggests that this variant is likely to be tolerated. In summary, the available evidence is currently insufficient to determine the role of this variant in disease. Therefore, it has been classified as a Variant of Uncertain Significance.